The following is an entry in ClinVar:

NM_003742.4(ABCB11):c.2750C>G (p.Thr917Arg)

Genes: ABCB11 (ATP binding cassette subfamily B member 11; minus strand), LOC126806400 (CDK7 strongly-dependent group 2 enhancer GRCh37_chr2:169791870-169793069; plus strand). Cytogenetic location: 2q31.1.
Variant type: single nucleotide variant.
Coding change: c.2750C>G on transcript NM_003742.4 (MANE Select); coding-DNA position 2750, C replaced by G.
Protein change: p.Thr917Arg; replaces threonine 917 with arginine.
Molecular consequence: missense variant.
Genome position (GRCh38, 1-based): chr2:168,936,294, G>C on the plus strand (C>G on the coding strand, the complement: ABCB11 is on the minus strand). VCF-style: chr2-168936294-G-C. GRCh37 (hg19) VCF-style: chr2-169792804-G-C.
Other names: short protein forms T917R.
Identifiers: ClinVar variation 2633632 (VCV002633632.1), dbSNP rs999845465, ClinGen allele CA59876051.

ClinVar aggregate classification (germline): Uncertain significance (1 of 4 stars; one submission).

Conditions:
ABCB11-related disorder. Also called: ABCB11-related condition.

Allele frequency attached by ClinVar (database versions not stated): gnomAD exomes below 0.00001; gnomAD 0.00001; TOPMed 0.00002.

Submission:

PreventionGenetics, part of Exact Sciences
Classification: Uncertain significance for ABCB11-related condition. Last evaluated: 2023-04-14. Review status: criteria provided, single submitter. Criteria: ACMG Guidelines, 2015. Collection method: clinical testing. Allele origin: germline.
Comment: The ABCB11 c.2750C>G variant is predicted to result in the amino acid substitution p.Thr917Arg. To our knowledge, this variant has not been reported in the literature or in a large population database, indicating this variant is rare. At this time, the clinical significance of this variant is uncertain due to the absence of conclusive functional and genetic evidence.